The following is an entry in ClinVar:

ClinVar aggregate classification (germline): Benign/Likely benign. Review status: criteria provided, multiple submitters, no conflicts (2 of 4 stars). 13 submissions from 13 submitters: Benign (11); Likely benign (2). Last evaluated 2026-09-21.

Conditions:
Familial thoracic aortic aneurysm and aortic dissection (TAAD). Also called: Thoracic aortic aneurysms and dissections. Identifiers: Orphanet 91387, MedGen C4707243, MONDO:0019625.
Marfan syndrome (MFS). Also called: MARFAN SYNDROME, TYPE I; Marfan syndrome, classic; FBN1-Related Marfan Syndrome; Marfan syndrome type 1; Marfan's syndrome. Identifiers: Orphanet 284963, Orphanet 558, MedGen C0024796, MONDO:0007947, OMIM 154700.

Allele frequency attached by ClinVar (database versions not stated): gnomAD exomes 0.00029 and 0.00076; ExAC 0.00096; gnomAD 0.00290 and 0.00304; TOPMed 0.00324; ESP Exome Variant Server 0.00216; 1000 Genomes Project 0.00280; 1000 Genomes Project 30x 0.00328.
gnomAD v4.1: 874 of 1,614,158 alleles (0.054%); highest among the groups gnomAD compares: African/African-American, 0.96%; 5 homozygotes.

Submissions (13):

Molecular Diagnostic Laboratory for Inherited Cardiovascular Disease, Montreal Heart Institute
Classification: Likely benign. Last evaluated: 2026-09-21. Review status: criteria provided, single submitter. Criteria: ACMG Guidelines, 2015. Collection method: clinical testing. Allele origin: germline. Affected: no.
Comment: BS1;BP7

CeGaT Center for Human Genetics Tuebingen
Classification: Likely benign. Last evaluated: 2026-09-01. Review status: criteria provided, single submitter. Criteria: CeGaT Center For Human Genetics Tuebingen Variant Classification Criteria Version 2. Collection method: clinical testing. Allele origin: germline. Affected: yes. Observed: 5 variant alleles.
Comment: FBN1: BP4, BP7, BS1

Labcorp Genetics (formerly Invitae), Labcorp
Classification: Benign for Marfan syndrome; Familial thoracic aortic aneurysm and aortic dissection. Last evaluated: 2026-01-25. Review status: criteria provided, single submitter. Criteria: Invitae Variant Classification Sherloc (09022015). Collection method: clinical testing. Allele origin: germline.

Blueprint Genetics
Classification: Benign. Last evaluated: 2024-11-13. Review status: criteria provided, single submitter. Criteria: ACMG Guidelines, 2015. Collection method: clinical testing. Allele origin: germline.

All of Us Research Program, National Institutes of Health
Classification: Benign for Marfan syndrome. Last evaluated: 2024-02-05. Review status: criteria provided, single submitter. Criteria: ACMG Guidelines, 2015. Collection method: clinical testing. Allele origin: germline. Inheritance: Autosomal dominant inheritance. Observed: 184 variant alleles, 183 heterozygotes, 1 homozygote.
Comment: This study involves interpretation of variants in research participants for the purpose of population health screening. Participant phenotype was not available at the time of variant classification. Additional details can be found in publication PMID: 35346344, PMCID: PMC8962531

ARUP Laboratories, Molecular Genetics and Genomics, ARUP Laboratories
Classification: Benign. Last evaluated: 2018-07-03. Review status: criteria provided, single submitter. Criteria: ARUP Molecular Germline Variant Investigation Process. Collection method: clinical testing. Allele origin: germline.

Color Diagnostics, LLC DBA Color Health
Classification: Benign for Familial thoracic aortic aneurysm and aortic dissection. Last evaluated: 2018-05-11. Review status: criteria provided, single submitter. Criteria: ACMG Guidelines, 2015. Collection method: clinical testing. Allele origin: germline.

Center for Pediatric Genomic Medicine, Children's Mercy Hospital and Clinics
Classification: Benign. Last evaluated: 2016-07-22. Review status: criteria provided, single submitter. Criteria: ACMG Guidelines, 2015. Collection method: clinical testing. Allele origin: germline.

CHEO Genetics Diagnostic Laboratory, Children's Hospital of Eastern Ontario
Classification: Benign for Familial thoracic aortic aneurysm and aortic dissection. Last evaluated: 2016-06-17. Review status: criteria provided, single submitter. Criteria: ACMG Guidelines, 2015. Collection method: clinical testing. Allele origin: germline. Study: Canadian Open Genetics Repository.

Ambry Genetics
Classification: Benign for Familial thoracic aortic aneurysm and aortic dissection. Last evaluated: 2016-01-12. Review status: criteria provided, single submitter. Criteria: Ambry Variant Classification Scheme 2023. Collection method: clinical testing. Allele origin: germline.

GeneDx
Classification: Benign. Last evaluated: 2014-08-08. Review status: criteria provided, single submitter. Criteria: GeneDx Variant Classification (06012015). Collection method: clinical testing. Allele origin: germline. Affected: yes.
Comment: This variant is considered likely benign or benign based on one or more of the following criteria: it is a conservative change, it occurs at a poorly conserved position in the protein, it is predicted to be benign by multiple in silico algorithms, and/or has population frequency not consistent with disease.

Women's Health and Genetics/Laboratory Corporation of America, LabCorp
Classification: Benign for Marfan Syndrome. Last evaluated: 2011-08-18. Review status: criteria provided, single submitter. Criteria: LabCorp Variant Classification Summary - May 2015. Collection method: curation, clinical testing. Allele origin: germline. Inheritance: autosomal unknown. Affected: yes.
ClinVar note: Converted during submission from benign to Benign.

Breakthrough Genomics
Classification: Benign. Review status: criteria provided, single submitter. Criteria: ACMG Guidelines, 2015. Collection method: not provided. Allele origin: germline. Inheritance: Autosomal dominant inheritance. Affected: yes.

NM_000138.5(FBN1):c.2055C>T (p.Cys685=)

Gene: FBN1 (fibrillin 1; minus strand). Cytogenetic location: 15q21.1.
Variant type: single nucleotide variant.
Coding change: c.2055C>T on transcript NM_000138.5 (MANE Select); coding-DNA position 2055, C replaced by T.
Protein change: p.Cys685=; no amino-acid change (cysteine 685 retained).
Molecular consequence: synonymous variant.
Genome position (GRCh38, 1-based): chr15:48,503,845, G>A on the plus strand (C>T on the coding strand, the complement: FBN1 is on the minus strand). VCF-style: chr15-48503845-G-A. GRCh37 (hg19) VCF-style: chr15-48796042-G-A.
Other names: p.C685C:TGC>TGT.
Identifiers: ClinVar variation 36044 (VCV000036044.74), dbSNP rs140603, ClinGen allele CA012737.
Genomic context (GRCh38, chr15:48,503,845, plus strand): 5'-ACCTGAATTCTGTGCAGGACACGGCTGGCAAGGTTCCCCAAATGCATACTCAGTGCTGGC[G>A]CAACAGCATTCAGATTTAGTGACAGCACCAAACAAAGGTTTGATACACTGGCCTCTCTTG-3'
Protein context (NP_000129.3, residues 675-695): FGAVTKSECC[Cys685=]ASTEYAFGEP